The following is an entry in ClinVar:

NM_001356.5(DDX3X):c.536_543+5inv

Gene: DDX3X (DEAD-box helicase 3 X-linked; plus strand). Cytogenetic location: Xp11.4.
Variant type: Inversion.
Coding change: c.536_543+5inv on transcript NM_001356.5 (MANE Select).
Molecular consequence: splice donor variant.
Genome position: GRCh38 VCF-style: chrX-41342829-TTGAAAGTGTGAG-CTCACACTTTCAA. GRCh37 (hg19) VCF-style: chrX-41202082-TTGAAAGTGTGAG-CTCACACTTTCAA.
Other names: c.536_543+5inv (NM_001193416.3); c.488_495+5inv (NM_001193417.3); c.-23_-16+5inv (NM_001363819.1).
Identifiers: ClinVar variation 589304 (VCV000589304.5), ClinGen allele CA891844057.

ClinVar aggregate classification (germline): Likely pathogenic (1 of 4 stars; one submission).

Conditions:
Inborn genetic diseases. Identifiers: MedGen C0950123, MeSH D030342.

Submission:

Ambry Genetics
Classification: Likely pathogenic for Inborn genetic diseases. Last evaluated: 2016-06-23. Review status: criteria provided, single submitter. Criteria: Ambry Variant Classification Scheme 2023. Collection method: clinical testing. Allele origin: germline.
Comment: The c.536_543+5del13ins13 variant (also known as c.536_543+5delTTGAAAGTGTGAGinsCTCACACTTTCAA) results from an inversion of the sequence, TTGAAAGTGTGAG, beginning at nucleotide position 536 in coding exon 6 of the DDX3X gene and ending five nucleotides after this exon. No population frequency information could be found for this variant. Using the BDGP and ESEfinder splice site prediction tools, this alteration is predicted to abolish the native splice donor site; however, direct evidence is unavailable. Alterations that disrupt the canonical splice donor site are typically deleterious in nature (ACMG Recommendations for Standards for Interpretation and Reporting of Sequence Variations. Revision 2007. Genet Med. 2008;10:294). As such, the c.536_543+5del13ins13 variant is classified as likely pathogenic.